The following is an entry in ClinVar:

NM_000051.4(ATM):c.3603T>C (p.Phe1201=)

Gene: ATM (ATM serine/threonine kinase; plus strand). Cytogenetic location: 11q22.3.
Variant type: single nucleotide variant.
Coding change: c.3603T>C on transcript NM_000051.4 (MANE Select); coding-DNA position 3603, T replaced by C.
Protein change: p.Phe1201=; no amino-acid change (phenylalanine 1201 retained).
Molecular consequence: synonymous variant.
Genome position (GRCh38, 1-based): chr11:108,282,736, T>C. VCF-style: chr11-108282736-T-C. GRCh37 (hg19) VCF-style: chr11-108153463-T-C.
Other names: c.3603T>C, p.Phe1201= (NM_001351834.2).
Identifiers: ClinVar variation 799262 (VCV000799262.10), dbSNP rs1591641079, ClinGen allele CA476673224.

ClinVar aggregate classification (germline): Benign/Likely benign. Review status: criteria provided, multiple submitters, no conflicts (2 of 4 stars). 3 submissions from 3 submitters: Benign (1); Likely benign (2). Last evaluated 2024-05-15.

Conditions:
Ataxia-telangiectasia syndrome (AT). Also called: Ataxia-telangiectasia, complementation group E; Ataxia-telangiectasia, complementation group D; Ataxia telangiectasia (A-T); LOUIS-BAR SYNDROME; ATAXIA-TELANGIECTASIA, COMPLEMENTATION GROUP A; ATAXIA-TELANGIECTASIA, FRESNO VARIANT. Identifiers: Orphanet 100, MedGen C0004135, MONDO:0008840, OMIM 208900.
Hereditary cancer-predisposing syndrome. Also called: Neoplastic Syndromes, Hereditary; Hereditary Cancer Syndrome; Tumor predisposition; Hereditary neoplastic syndrome. Identifiers: Orphanet 140162, MedGen C0027672, MeSH D009386, MONDO:0015356.
Familial cancer of breast. Also called: BREAST CANCER, FAMILIAL; Hereditary breast cancer; hereditary breast carcinoma. Identifiers: Orphanet 227535, MedGen C0346153, MONDO:0016419, OMIM 114480. Disease mechanism: loss of function.

Submissions (3):

Myriad Genetics, Inc.
Classification: Benign for Familial cancer of breast. Last evaluated: 2024-05-15. Review status: criteria provided, single submitter. Criteria: Myriad Autosomal Dominant, Autosomal Recessive and X-Linked Classification Criteria (2023). Collection method: clinical testing. Allele origin: unknown.
Comment: This variant is considered benign. This variant is a silent/synonymous amino acid change and it is not expected to impact splicing.

Labcorp Genetics (formerly Invitae), Labcorp
Classification: Likely benign for Ataxia-telangiectasia syndrome. Last evaluated: 2023-09-21. Review status: criteria provided, single submitter. Criteria: Invitae Variant Classification Sherloc (09022015). Collection method: clinical testing. Allele origin: germline.

Color Diagnostics, LLC DBA Color Health
Classification: Likely benign for Hereditary cancer-predisposing syndrome. Last evaluated: 2021-09-16. Review status: criteria provided, single submitter. Criteria: ACMG Guidelines, 2015. Collection method: clinical testing. Allele origin: germline.